The following is an entry in ClinVar:

ClinVar aggregate classification (germline): Likely benign (1 of 4 stars; one submission).

Allele frequency attached by ClinVar (database versions not stated): gnomAD exomes below 0.00001; gnomAD 0.00001; TOPMed 0.00003.
gnomAD v4.1: 6 of 1,205,550 alleles (0.0005%); highest among the groups gnomAD compares: Non-Finnish European, 0.00067%; no homozygotes.

Submission:

Genetic Services Laboratory, University of Chicago
Classification: Likely benign. Last evaluated: 2020-03-27. Review status: criteria provided, single submitter. Criteria: ACMG Guidelines, 2015. Collection method: clinical testing. Allele origin: germline. Affected: no.
Comment: This sequence change does not appear to have been previously described in patients with HUWE1-related disorders and has also not been described in population databases (gnomAD, ExAC). The p.Thr1507Lys change affects a highly conserved amino acid residue located in a domain of the HUWE1 protein that is not known to be functional. In-silico pathogenicity prediction tools (SIFT, PolyPhen2, Align GVGD, REVEL) provide contradictory results for the p.Thr1507Lys substitution. However, functional studies have not been performed to prove this conclusively.

NM_031407.7(HUWE1):c.4520C>A (p.Thr1507Lys)

Gene: HUWE1 (HECT, UBA and WWE domain containing E3 ubiquitin protein ligase 1; minus strand). Cytogenetic location: Xp11.22.
Variant type: single nucleotide variant.
Coding change: c.4520C>A on transcript NM_031407.7 (MANE Select); coding-DNA position 4520, C replaced by A.
Protein change: p.Thr1507Lys; replaces threonine 1507 with lysine.
Molecular consequence: missense variant.
Genome position (GRCh38, 1-based): chrX:53,588,476, G>T on the plus strand (C>A on the coding strand, the complement: HUWE1 is on the minus strand). VCF-style: chrX-53588476-G-T. GRCh37 (hg19) VCF-style: chrX-53615436-G-T.
Other names: short protein forms T1507K.
Identifiers: ClinVar variation 1337434 (VCV001337434.4), dbSNP rs1382783056, ClinGen allele CA413176118.